The following is an entry in ClinVar:

ClinVar aggregate classification (germline): Likely benign (1 of 4 stars; one submission).

gnomAD v4.1: 1 of 1,607,324 alleles (0.000062%); highest among the groups gnomAD compares: Non-Finnish European, 0.000085%; no homozygotes.

Submission:

CeGaT Center for Human Genetics Tuebingen
Classification: Likely benign. Last evaluated: 2025-07-01. Review status: criteria provided, single submitter. Criteria: CeGaT Center For Human Genetics Tuebingen Variant Classification Criteria Version 2. Collection method: clinical testing. Allele origin: germline. Affected: yes. Observed: 1 variant allele.
Comment: PIDD1: BP4, BP7

NM_145886.4(PIDD1):c.2706A>G (p.Pro902=)

Gene: PIDD1 (p53-induced death domain protein 1; minus strand). Cytogenetic location: 11p15.5.
Variant type: single nucleotide variant.
Coding change: c.2706A>G on transcript NM_145886.4 (MANE Select); coding-DNA position 2706, A replaced by G.
Protein change: p.Pro902=; no amino-acid change (proline 902 retained).
Molecular consequence: synonymous variant.
Genome position (GRCh38, 1-based): chr11:799,334, T>C on the plus strand (A>G on the coding strand, the complement: PIDD1 is on the minus strand). VCF-style: chr11-799334-T-C. GRCh37 (hg19) VCF-style: chr11-799334-T-C.
Other names: c.2655A>G, p.Pro885= (NM_145887.4).
Identifiers: ClinVar variation 4085304 (VCV004085304.8).